The following is an entry in ClinVar:

ClinVar aggregate classification (germline): Uncertain significance. Review status: criteria provided, multiple submitters, no conflicts (2 of 4 stars). 2 submissions from 2 submitters: Uncertain significance (2). Last evaluated 2023-08-07.

Conditions:
Hereditary cancer-predisposing syndrome. Also called: Tumor predisposition; Hereditary Cancer Syndrome; Neoplastic Syndromes, Hereditary; Hereditary neoplastic syndrome. Identifiers: Orphanet 140162, MedGen C0027672, MeSH D009386, MONDO:0015356.

Allele frequency attached by ClinVar (database versions not stated): gnomAD exomes below 0.00001.
gnomAD v4.1: 1 of 1,614,204 alleles (0.000062%); highest among the groups gnomAD compares: South Asian, 0.0011%; no homozygotes.

Submissions (2):

Ambry Genetics
Classification: Uncertain significance for Hereditary cancer-predisposing syndrome. Last evaluated: 2023-08-07. Review status: criteria provided, single submitter. Criteria: Ambry Variant Classification Scheme 2023. Collection method: clinical testing. Allele origin: germline.
Comment: The p.T32K variant (also known as c.95C>A), located in coding exon 1 of the RAD50 gene, results from a C to A substitution at nucleotide position 95. The threonine at codon 32 is replaced by lysine, an amino acid with similar properties. This amino acid position is highly conserved in available vertebrate species. In addition, this alteration is predicted to be deleterious by in silico analysis. Since supporting evidence is limited at this time, the clinical significance of this alteration remains unclear.

Labcorp Genetics (formerly Invitae), Labcorp
Classification: Uncertain significance for Hereditary cancer-predisposing syndrome. Last evaluated: 2020-08-20. Review status: criteria provided, single submitter. Criteria: Invitae Variant Classification Sherloc (09022015). Collection method: clinical testing. Allele origin: germline.
Comment: This variant has not been reported in the literature in individuals with RAD50-related conditions. ClinVar contains an entry for this variant (Variation ID: 823361). This sequence change replaces threonine with lysine at codon 32 of the RAD50 protein (p.Thr32Lys). The threonine residue is highly conserved and there is a moderate physicochemical difference between threonine and lysine. This variant is not present in population databases (ExAC no frequency). Algorithms developed to predict the effect of missense changes on protein structure and function are either unavailable or do not agree on the potential impact of this missense change (SIFT: "Deleterious"; PolyPhen-2: "Probably Damaging"; Align-GVGD: "Class C0"). In summary, the available evidence is currently insufficient to determine the role of this variant in disease. Therefore, it has been classified as a Variant of Uncertain Significance.

NM_005732.4(RAD50):c.95C>A (p.Thr32Lys)

Gene: RAD50 (RAD50 double strand break repair protein; plus strand). Cytogenetic location: 5q31.1.
Variant type: single nucleotide variant.
Coding change: c.95C>A on transcript NM_005732.4 (MANE Select); coding-DNA position 95, C replaced by A.
Protein change: p.Thr32Lys; replaces threonine 32 with lysine.
Molecular consequence: missense variant.
Genome position (GRCh38, 1-based): chr5:132,557,419, C>A. VCF-style: chr5-132557419-C-A. GRCh37 (hg19) VCF-style: chr5-131893111-C-A.
Other names: short protein forms T32K.
Identifiers: ClinVar variation 823361 (VCV000823361.13), dbSNP rs1580974498, ClinGen allele CA360951603.